The following is an entry in ClinVar:

NM_177438.3(DICER1):c.601C>A (p.Arg201Ser)

Gene: DICER1 (dicer 1, ribonuclease III; minus strand). Cytogenetic location: 14q32.13.
Variant type: single nucleotide variant.
Coding change: c.601C>A on transcript NM_177438.3 (MANE Select); coding-DNA position 601, C replaced by A.
Protein change: p.Arg201Ser; replaces arginine 201 with serine.
Molecular consequence: missense variant.
Genome position (GRCh38, 1-based): chr14:95,129,605, G>T on the plus strand (C>A on the coding strand, the complement: DICER1 is on the minus strand). VCF-style: chr14-95129605-G-T. GRCh37 (hg19) VCF-style: chr14-95595942-G-T.
Other names: c.601C>A, p.Arg201Ser (NM_001195573.1, NM_001271282.3, NM_001291628.2 and 1 more transcripts); short protein forms R201S.
Identifiers: ClinVar variation 1475387 (VCV001475387.10), dbSNP rs774514314, ClinGen allele CA7331613.

ClinVar aggregate classification (germline): Uncertain significance. Review status: criteria provided, multiple submitters, no conflicts (2 of 4 stars). 2 submissions from 2 submitters: Uncertain significance (2). Last evaluated 2025-12-20.

Conditions:
Hereditary cancer-predisposing syndrome. Also called: Hereditary neoplastic syndrome; Tumor predisposition; Neoplastic Syndromes, Hereditary; Hereditary Cancer Syndrome. Identifiers: Orphanet 140162, MedGen C0027672, MeSH D009386, MONDO:0015356.
DICER1-related tumor predisposition. Also called: DICER1-related pleuropulmonary blastoma cancer predisposition syndrome; DICER1 syndrome. Identifiers: Orphanet 284343, MedGen C3839822, MONDO:0100216.

Allele frequency attached by ClinVar (database versions not stated): ExAC 0.00001.

Submissions (2):

Labcorp Genetics (formerly Invitae), Labcorp
Classification: Uncertain significance for DICER1-related tumor predisposition. Last evaluated: 2025-12-20. Review status: criteria provided, single submitter. Criteria: Invitae Variant Classification Sherloc (09022015). Collection method: clinical testing. Allele origin: germline.
Comment: This sequence change replaces arginine, which is basic and polar, with serine, which is neutral and polar, at codon 201 of the DICER1 protein (p.Arg201Ser). This variant is present in population databases (rs774514314, gnomAD 0.0009%). This variant has not been reported in the literature in individuals affected with DICER1-related conditions. ClinVar contains an entry for this variant (Variation ID: 1475387). Invitae Evidence Modeling of protein sequence and biophysical properties (such as structural, functional, and spatial information, amino acid conservation, physicochemical variation, residue mobility, and thermodynamic stability) has been performed for this missense variant. However, the output from this modeling did not meet the statistical confidence thresholds required to predict the impact of this variant on DICER1 protein function. Algorithms developed to predict the effect of sequence changes on RNA splicing suggest that this variant may disrupt the consensus splice site. In summary, the available evidence is currently insufficient to determine the role of this variant in disease. Therefore, it has been classified as a Variant of Uncertain Significance.

Ambry Genetics
Classification: Uncertain significance for Hereditary cancer-predisposing syndrome. Last evaluated: 2025-05-08. Review status: criteria provided, single submitter. Criteria: Ambry Variant Classification Scheme 2023. Collection method: clinical testing. Allele origin: germline.
Comment: The p.R201S variant (also known as c.601C>A), located in coding exon 5 of the DICER1 gene, results from a C to A substitution at nucleotide position 601. The arginine at codon 201 is replaced by serine, an amino acid with dissimilar properties. This amino acid position is highly conserved in available vertebrate species. In addition, this alteration is predicted to be deleterious by in silico analysis. Since supporting evidence is limited at this time, the clinical significance of this alteration remains unclear.